The following is an entry in ClinVar:

NM_000548.5(TSC2):c.1075G>A (p.Asp359Asn)

Gene: TSC2 (TSC complex subunit 2; plus strand). Cytogenetic location: 16p13.3.
Variant type: single nucleotide variant.
Coding change: c.1075G>A on transcript NM_000548.5 (MANE Select); coding-DNA position 1075, G replaced by A.
Protein change: p.Asp359Asn; replaces aspartic acid 359 with asparagine.
Molecular consequence: missense variant.
Genome position (GRCh38, 1-based): chr16:2,060,769, G>A. VCF-style: chr16-2060769-G-A. GRCh37 (hg19) VCF-style: chr16-2110770-G-A.
Other names: c.1075G>A (NM_000548.3); c.1075G>A, p.Asp359Asn (NM_001077183.3, NM_001114382.3, NM_001363528.2 and 3 more transcripts); c.964G>A, p.Asp322Asn (NM_001318827.2); c.928G>A, p.Asp310Asn (NM_001318829.2); c.475G>A, p.Asp159Asn (NM_001318831.2); c.1108G>A, p.Asp370Asn (NM_001318832.2); short protein forms D359N, D322N, D159N, D310N, D370N.
Identifiers: ClinVar variation 1045515 (VCV001045515.10), dbSNP rs2086534058, ClinGen allele CA394318023.

ClinVar aggregate classification (germline): Uncertain significance. Review status: criteria provided, multiple submitters, no conflicts (2 of 4 stars). 2 submissions from 2 submitters: Uncertain significance (2). Last evaluated 2025-09-20.

Conditions:
Hereditary cancer-predisposing syndrome. Also called: Hereditary neoplastic syndrome; Neoplastic Syndromes, Hereditary; Tumor predisposition; Hereditary Cancer Syndrome. Identifiers: Orphanet 140162, MedGen C0027672, MeSH D009386, MONDO:0015356.
Tuberous sclerosis 2 (TSC2). Identifiers: Orphanet 805, MedGen C1860707, MONDO:0013199, OMIM 613254.

Allele frequency attached by ClinVar (database versions not stated): TOPMed below 0.00001; gnomAD 0.00001.
gnomAD v4.1: 1 of 1,613,840 alleles (0.000062%); highest among the groups gnomAD compares: African/African-American, 0.0013%; no homozygotes.

Submissions (2):

Labcorp Genetics (formerly Invitae), Labcorp
Classification: Uncertain significance for Tuberous sclerosis 2. Last evaluated: 2025-09-20. Review status: criteria provided, single submitter. Criteria: Invitae Variant Classification Sherloc (09022015). Collection method: clinical testing. Allele origin: germline.
Comment: This sequence change replaces aspartic acid, which is acidic and polar, with asparagine, which is neutral and polar, at codon 359 of the TSC2 protein (p.Asp359Asn). This variant is not present in population databases (gnomAD no frequency). This variant has not been reported in the literature in individuals affected with TSC2-related conditions. ClinVar contains an entry for this variant (Variation ID: 1045515). Invitae Evidence Modeling of protein sequence and biophysical properties (such as structural, functional, and spatial information, amino acid conservation, physicochemical variation, residue mobility, and thermodynamic stability) indicates that this missense variant is not expected to disrupt TSC2 protein function with a negative predictive value of 95%. In summary, the available evidence is currently insufficient to determine the role of this variant in disease. Therefore, it has been classified as a Variant of Uncertain Significance.

Ambry Genetics
Classification: Uncertain significance for Hereditary cancer-predisposing syndrome. Last evaluated: 2023-04-20. Review status: criteria provided, single submitter. Criteria: Ambry Variant Classification Scheme 2023. Collection method: clinical testing. Allele origin: germline.
Comment: The p.D359N variant (also known as c.1075G>A), located in coding exon 10 of the TSC2 gene, results from a G to A substitution at nucleotide position 1075. The aspartic acid at codon 359 is replaced by asparagine, an amino acid with highly similar properties. This amino acid position is highly conserved in available vertebrate species. In addition, the in silico prediction for this alteration is inconclusive. Since supporting evidence is limited at this time, the clinical significance of this alteration remains unclear.